The following is an entry in ClinVar:

NM_014915.3(ANKRD26):c.542C>T (p.Thr181Ile)

Gene: ANKRD26 (ankyrin repeat domain 26; minus strand). Cytogenetic location: 10p12.1.
Variant type: single nucleotide variant.
Coding change: c.542C>T on transcript NM_014915.3 (MANE Select); coding-DNA position 542, C replaced by T.
Protein change: p.Thr181Ile; replaces threonine 181 with isoleucine.
Molecular consequence: missense variant.
Genome position (GRCh38, 1-based): chr10:27,092,502, G>A on the plus strand (C>T on the coding strand, the complement: ANKRD26 is on the minus strand). VCF-style: chr10-27092502-G-A. GRCh37 (hg19) VCF-style: chr10-27381431-G-A.
Other names: p.Thr181Ile; c.542C>T, p.Thr181Ile (NM_001256053.2); short protein forms T181I.
Identifiers: ClinVar variation 434204 (VCV000434204.49), dbSNP rs191015656, ClinGen allele CA5448892.

ClinVar aggregate classification (germline): Conflicting classifications of pathogenicity. Review status: criteria provided, conflicting classifications (1 of 4 stars). 14 submissions from 14 submitters: Uncertain significance (1); Benign (4); Likely benign (5). 4 of the submissions do not count toward it. Last evaluated 2026-02-01.

Conditions:
ANKRD26-related disorder. Also called: ANKRD26-related condition.
Thrombocytopenia 2 (THC2). Also called: ANKRD26-Related Thrombocytopenia. Identifiers: Orphanet 268322, MedGen C1861185, MONDO:0008555, OMIM 188000.

Allele frequency attached by ClinVar (database versions not stated): 1000 Genomes Project 0.00040; 1000 Genomes Project 30x 0.00047; gnomAD 0.00090 and 0.00093; ESP Exome Variant Server 0.00102; TOPMed 0.00104; gnomAD exomes 0.00111 and 0.00141; ExAC 0.00123.

Submissions (14):

Labcorp Genetics (formerly Invitae), Labcorp
Classification: Benign. Last evaluated: 2026-02-01. Review status: criteria provided, single submitter. Criteria: Invitae Variant Classification Sherloc (09022015). Collection method: clinical testing. Allele origin: germline.

Mayo Clinic Laboratories, Mayo Clinic
Classification: Uncertain significance. Last evaluated: 2025-09-23. Review status: criteria provided, single submitter. Criteria: ACMG Guidelines, 2015. Collection method: clinical testing. Allele origin: germline. Observed: 3 variant alleles.
Comment: BS1, PP3_moderate

Blueprint Genetics
Classification: Likely benign. Last evaluated: 2024-09-23. Review status: criteria provided, single submitter. Criteria: ACMG Guidelines, 2015. Collection method: clinical testing. Allele origin: germline.

ARUP Laboratories, Molecular Genetics and Genomics, ARUP Laboratories
Classification: Likely benign for Thrombocytopenia 2. Last evaluated: 2024-06-25. Review status: criteria provided, single submitter. Criteria: ARUP Molecular Germline Variant Investigation Process 2024. Collection method: clinical testing. Allele origin: germline.

CeGaT Center for Human Genetics Tuebingen
Classification: Benign. Last evaluated: 2023-03-01. Review status: criteria provided, single submitter. Criteria: CeGaT Center For Human Genetics Tuebingen Variant Classification Criteria Version 2. Collection method: clinical testing. Allele origin: germline. Affected: yes. Observed: 1 variant allele.
Comment: ANKRD26: BS1, BS2

Genome-Nilou Lab
Classification: Benign for Thrombocytopenia 2. Last evaluated: 2021-12-05. Review status: criteria provided, single submitter. Criteria: ACMG Guidelines, 2015. Collection method: clinical testing. Allele origin: germline. Affected: no.

GeneDx
Classification: Likely benign. Last evaluated: 2021-06-24. Review status: criteria provided, single submitter. Criteria: GeneDx Variant Classification Process June 2021. Collection method: clinical testing. Allele origin: germline. Affected: yes.
Comment: In silico analysis supports that this missense variant has a deleterious effect on protein structure/function; Reported in association with increased platelet aggregation (Chen 2017); This variant is associated with the following publications: (PMID: 27535533, 29185836)

Illumina Laboratory Services, Illumina
Classification: Benign for Thrombocytopenia 2. Last evaluated: 2018-01-13. Review status: criteria provided, single submitter. Criteria: ICSL Variant Classification Criteria 13 December 2019. Collection method: clinical testing. Allele origin: germline.
Comment: This variant was observed in the ICSL laboratory as part of a predisposition screen in an ostensibly healthy population. It had not been previously curated by ICSL or reported in the Human Gene Mutation Database (HGMD: prior to June 1st, 2018), and was therefore a candidate for classification through an automated scoring system. Utilizing variant allele frequency, disease prevalence and penetrance estimates, and inheritance mode, an automated score was calculated to assess if this variant is too frequent to cause the disease. Based on the score and internal cut-off values, a variant classified as benign is not then subjected to further curation. The score for this variant resulted in a classification of benign for this disease.

Genetic Services Laboratory, University of Chicago
Classification: Likely benign. Last evaluated: 2017-06-20. Review status: criteria provided, single submitter. Criteria: ACMG Guidelines, 2015. Collection method: clinical testing. Allele origin: germline. Affected: no.

Breakthrough Genomics
Classification: Likely benign. Review status: criteria provided, single submitter. Criteria: ACMG Guidelines, 2015. Collection method: not provided. Allele origin: germline. Inheritance: Autosomal dominant inheritance. Affected: yes.

PreventionGenetics, part of Exact Sciences
Classification: Likely benign for ANKRD26-related condition. Last evaluated: 2021-05-12. Review status: no assertion criteria provided. Collection method: clinical testing. Allele origin: germline. Not counted in ClinVar's aggregate classification.
Comment: This variant is classified as likely benign based on ACMG/AMP sequence variant interpretation guidelines (Richards et al. 2015 PMID: 25741868, with internal and published modifications).

Clinical Genetics DNA and cytogenetics Diagnostics Lab, Erasmus MC, Erasmus Medical Center
Classification: Likely benign. Review status: no assertion criteria provided. Collection method: clinical testing. Allele origin: germline. Affected: yes. Study: VKGL Data-share Consensus. Not counted in ClinVar's aggregate classification.

Department of Pathology and Laboratory Medicine, Sinai Health System
Classification: Likely benign. Review status: no assertion criteria provided. Collection method: clinical testing. Allele origin: unknown. Affected: yes. Study: The Canadian Open Genetics Repository (COGR). Not counted in ClinVar's aggregate classification.
Comment: The ANKRD26 p.T181I variant was not identified in the literature but was identified in dbSNP (ID: rs191015656) and ClinVar (classified as likely benign by University of Chicago; and as benign by Invitae and Illumina). The variant was identified in control databases in 307 of 280276 chromosomes (0 homozygous) at a frequency of 0.001095, and was observed at the highest frequency in the European (non-Finnish) population in 186 of 128500 chromosomes (freq: 0.001447) (Genome Aggregation Database March 6, 2019, v2.1.1). The p.T181 residue is conserved in mammals and computational analyses (MUT Assesor, PolyPhen-2, SIFT, MutationTaster, Revel, FATHMM, MetaLR, DANN) suggest that the variant may impact the protein; however, this information is not predictive enough to assume pathogenicity. The variant occurs outside of the splicing consensus sequence and in silico or computational prediction software programs (Splice AI exome) do not predict a difference in splicing. In summary, based on the above information the clinical significance of this variant cannot be determined with certainty at this time although we would lean towards a more benign role for this variant. This variant is classified as likely benign.

Genome Diagnostics Laboratory, University Medical Center Utrecht
Classification: Likely benign. Review status: no assertion criteria provided. Collection method: clinical testing. Allele origin: germline. Affected: yes. Study: VKGL Data-share Consensus. Not counted in ClinVar's aggregate classification.